The following is an entry in ClinVar:

NM_138420.4(AHNAK2):c.9651C>T (p.Leu3217=)

Gene: AHNAK2 (AHNAK nucleoprotein 2; minus strand). Cytogenetic location: 14q32.33.
Variant type: single nucleotide variant.
Coding change: c.9651C>T on transcript NM_138420.4 (MANE Select); coding-DNA position 9651, C replaced by T.
Protein change: p.Leu3217=; no amino-acid change (leucine 3217 retained).
Molecular consequence: synonymous variant.
Genome position (GRCh38, 1-based): chr14:104,945,800, G>A on the plus strand (C>T on the coding strand, the complement: AHNAK2 is on the minus strand). VCF-style: chr14-104945800-G-A. GRCh37 (hg19) VCF-style: chr14-105412137-G-A.
Other names: c.9351C>T, p.Leu3117= (NM_001350929.2).
Identifiers: ClinVar variation 2644685 (VCV002644685.24), dbSNP rs746687596, ClinGen allele CA7379531.

ClinVar aggregate classification (germline): Likely benign (1 of 4 stars; one submission).

Allele frequency attached by ClinVar (database versions not stated): ExAC 0.00001; gnomAD 0.00002; gnomAD exomes 0.00002.
gnomAD v4.1: 33 of 1,544,978 alleles (0.0021%); highest among the groups gnomAD compares: Middle Eastern, 0.019%; 1 homozygote.

Submission:

CeGaT Center for Human Genetics Tuebingen
Classification: Likely benign. Last evaluated: 2022-07-01. Review status: criteria provided, single submitter. Criteria: CeGaT Center For Human Genetics Tuebingen Variant Classification Criteria Version 2. Collection method: clinical testing. Allele origin: germline. Affected: yes. Observed: 1 variant allele.
Comment: AHNAK2: BP4, BP7